The following is an entry in ClinVar:

ClinVar aggregate classification (germline): Uncertain significance (1 of 4 stars; one submission).

Allele frequency attached by ClinVar (database versions not stated): TOPMed below 0.00001; ExAC 0.00001.

Submission:

CeGaT Center for Human Genetics Tuebingen
Classification: Uncertain significance. Last evaluated: 2024-05-01. Review status: criteria provided, single submitter. Criteria: CeGaT Center For Human Genetics Tuebingen Variant Classification Criteria Version 2. Collection method: clinical testing. Allele origin: germline. Affected: yes. Observed: 1 variant allele.
Comment: NR2F1: PP2, PP3

NM_005654.6(NR2F1):c.1051G>A (p.Ala351Thr)

Gene: NR2F1 (nuclear receptor subfamily 2 group F member 1; plus strand). Cytogenetic location: 5q15.
Variant type: single nucleotide variant.
Coding change: c.1051G>A on transcript NM_005654.6 (MANE Select); coding-DNA position 1051, G replaced by A.
Protein change: p.Ala351Thr; replaces alanine 351 with threonine.
Molecular consequence: missense variant.
Genome position (GRCh38, 1-based): chr5:93,593,621, G>A. VCF-style: chr5-93593621-G-A. GRCh37 (hg19) VCF-style: chr5-92929327-G-A.
Other names: c.601G>A, p.Ala201Thr (NM_001410754.1); short protein forms A201T, A351T.
Identifiers: ClinVar variation 3234689 (VCV003234689.20), dbSNP rs776020140, ClinGen allele CA3343231.
Genomic context (GRCh38, chr5:93,593,621, plus strand): 5'-GACGCCTGTGGCCTGTCGGATGCGGCCCACATCGAGAGCCTGCAGGAGAAGTCGCAGTGC[G>A]CACTGGAGGAGTACGTGAGGAGCCAGTACCCCAACCAGCCCAGCCGTTTTGGCAAACTGC-3'
Protein context (NP_005645.1, residues 341-361): IESLQEKSQC[Ala351Thr]LEEYVRSQYP